The following is an entry in ClinVar:

NM_032776.3(JMJD1C):c.3487A>G (p.Ile1163Val)

Gene: JMJD1C (jumonji domain containing 1C; minus strand). Cytogenetic location: 10q21.3.
Variant type: single nucleotide variant.
Coding change: c.3487A>G on transcript NM_032776.3 (MANE Select); coding-DNA position 3487, A replaced by G.
Protein change: p.Ile1163Val; replaces isoleucine 1163 with valine.
Molecular consequence: missense variant. On other transcripts: non-coding transcript variant (1).
Genome position (GRCh38, 1-based): chr10:63,208,182, T>C on the plus strand (A>G on the coding strand, the complement: JMJD1C is on the minus strand). VCF-style: chr10-63208182-T-C. GRCh37 (hg19) VCF-style: chr10-64967942-T-C.
Other names: c.2941A>G, p.Ile981Val (NM_001282948.2, NM_001318154.2); c.2623A>G, p.Ile875Val (NM_001318153.2); c.3373A>G, p.Ile1125Val (NM_001322252.2); c.2830A>G, p.Ile944Val (NM_001322254.2, NM_001322258.2); short protein forms I1163V, I1125V, I875V, I944V, I981V.
Identifiers: ClinVar variation 858526 (VCV000858526.9), dbSNP rs1564609292, ClinGen allele CA377041579.

ClinVar aggregate classification (germline): Uncertain significance (1 of 4 stars; one submission).

Conditions:
Early Myoclonic Encephalopathy. Identifiers: MedGen C0270855.

Allele frequency attached by ClinVar (database versions not stated): TOPMed below 0.00001.

Submission:

Labcorp Genetics (formerly Invitae), Labcorp
Classification: Uncertain significance for Early Myoclonic Encephalopathy. Last evaluated: 2024-03-04. Review status: criteria provided, single submitter. Criteria: Invitae Variant Classification Sherloc (09022015). Collection method: clinical testing. Allele origin: germline.
Comment: This sequence change replaces isoleucine, which is neutral and non-polar, with valine, which is neutral and non-polar, at codon 1163 of the JMJD1C protein (p.Ile1163Val). This variant is not present in population databases (gnomAD no frequency). This missense change has been observed in individual(s) with autism spectrum disorder (PMID: 22495311). ClinVar contains an entry for this variant (Variation ID: 858526). Advanced modeling of protein sequence and biophysical properties (such as structural, functional, and spatial information, amino acid conservation, physicochemical variation, residue mobility, and thermodynamic stability) performed at Invitae indicates that this missense variant is not expected to disrupt JMJD1C protein function with a negative predictive value of 80%. In summary, the available evidence is currently insufficient to determine the role of this variant in disease. Therefore, it has been classified as a Variant of Uncertain Significance.

Literature cited by the submitters: PubMed 22495311.